The following is an entry in ClinVar:

NM_000226.4(KRT9):c.488G>A (p.Arg163Gln)

Gene: KRT9 (keratin 9; minus strand). Cytogenetic location: 17q21.2.
Variant type: single nucleotide variant.
Coding change: c.488G>A on transcript NM_000226.4 (MANE Select); coding-DNA position 488, G replaced by A.
Protein change: p.Arg163Gln; replaces arginine 163 with glutamine.
Molecular consequence: missense variant.
Genome position (GRCh38, 1-based): chr17:41,571,505, C>T on the plus strand (G>A on the coding strand, the complement: KRT9 is on the minus strand). VCF-style: chr17-41571505-C-T. GRCh37 (hg19) VCF-style: chr17-39727757-C-T.
Other names: short protein forms R163Q.
Identifiers: ClinVar variation 3001 (VCV000003001.22), dbSNP rs57758262, ClinGen allele CA115907.
Genomic context (GRCh38, chr17:41,571,505, plus strand): 5'-TTCTCCAGGTCGTTGTTGGCCTCCTCTAGAGCCTGCACCTTATCCAAGTAAGAGGCCAGC[C>T]GAGAATTGAGTTCCTGCATGGTGCTCTTCTCATTAGCAGTCAGAATACCACCATCACCTC-3'
Protein context (NP_000217.2, residues 153-173): EKSTMQELNS[Arg163Gln]LASYLDKVQA

ClinVar aggregate classification (germline): Pathogenic/Likely pathogenic. Review status: criteria provided, multiple submitters, no conflicts (2 of 4 stars). 13 submissions from 13 submitters: Pathogenic (10); Likely pathogenic (1). 2 of the submissions do not count toward it. Last evaluated 2026-01-17.

Conditions:
KRT9-related disorder. Also called: KRT9-related condition.
Palmoplantar keratodermas.
Epidermolytic palmoplantar keratoderma, 1 (EPPK1). Also called: PALMOPLANTAR KERATODERMA, EPIDERMOLYTIC, WITH KNUCKLE PADS; TYLOSIS. Identifiers: Orphanet 2199, MedGen CN377798, MONDO:0007758, OMIM 144200.
Inborn genetic diseases. Identifiers: MedGen C0950123, MeSH D030342.
Palmoplantar keratoderma, epidermolytic. Also called: Localized epidermolytic hyperkeratosis. Identifiers: MedGen C1721006, MONDO:0968949, HP:0007559.

Allele frequency attached by ClinVar (database versions not stated): gnomAD exomes below 0.00001; gnomAD 0.00001.

Submissions (13):

Genetics Laboratory, Great Ormond Street Hospital NHS Foundation Trust, North Thames Genomic Laboratory Hub
Classification: Pathogenic for Palmoplantar keratodermas. Last evaluated: 2026-01-17. Review status: criteria provided, single submitter. Criteria: ACGS Best Practice Guidelines for Variant Classification in Rare Disease 2024 v1.2. Collection method: clinical testing. Allele origin: germline. Affected: yes.
Comment: PS4_moderate, PM2_moderate, PP3_supporting, PM5_moderate, PM1_moderate, PP1_strong

Labcorp Genetics (formerly Invitae), Labcorp
Classification: Pathogenic. Last evaluated: 2024-07-01. Review status: criteria provided, single submitter. Criteria: Invitae Variant Classification Sherloc (09022015). Collection method: clinical testing. Allele origin: germline.
Comment: This sequence change replaces arginine, which is basic and polar, with glutamine, which is neutral and polar, at codon 163 of the KRT9 protein (p.Arg163Gln). This variant is not present in population databases (gnomAD no frequency). This missense change has been observed in individuals with epidermolytic palmoplantar keratoderma (PMID: 30666268, 33914963). It has also been observed to segregate with disease in related individuals. ClinVar contains an entry for this variant (Variation ID: 3001). Advanced modeling of protein sequence and biophysical properties (such as structural, functional, and spatial information, amino acid conservation, physicochemical variation, residue mobility, and thermodynamic stability) performed at Invitae indicates that this missense variant is expected to disrupt KRT9 protein function with a positive predictive value of 80%. Algorithms developed to predict the effect of sequence changes on RNA splicing suggest that this variant may create or strengthen a splice site. This variant disrupts the p.Arg163 amino acid residue in KRT9. Other variant(s) that disrupt this residue have been determined to be pathogenic (PMID: 22262370). This suggests that this residue is clinically significant, and that variants that disrupt this residue are likely to be disease-causing. For these reasons, this variant has been classified as Pathogenic.

Blueprint Genetics
Classification: Pathogenic for KRT9-related disorders. Last evaluated: 2023-12-11. Review status: criteria provided, single submitter. Criteria: ACMG Guidelines, 2015. Collection method: clinical testing. Allele origin: germline. Affected: yes. Observed: 4 variant alleles.

3billion
Classification: Pathogenic for Epidermolytic palmoplantar keratoderma, 1. Last evaluated: 2022-09-01. Review status: criteria provided, single submitter. Criteria: ACMG Guidelines, 2015. Collection method: clinical testing. Allele origin: germline. Affected: yes. Observed: 1 heterozygote.
Comment: The variant is not observed in the gnomAD v2.1.1 dataset. It is located in a mutational hot spot and/or well-established functional domain in which established pathogenic variants have been reported. Missense changes are a common disease-causing mechanism. In silico tool predictions suggest damaging effect of the variant on gene or gene product (REVEL: 0.83; 3Cnet: 0.87). Same nucleotide change resulting in same amino acid change has been previously reported as pathogenic/likely pathogenic with strong evidence (ClinVar ID: VCV000003001). A different missense change at the same codon (p.Arg163Trp) has been reported as pathogenic/likely pathogenic with strong evidence (ClinVar ID: VCV000002997). Therefore, this variant is classified as Pathogenic according to the recommendation of ACMG/AMP guideline.

GeneDx
Classification: Pathogenic. Last evaluated: 2022-06-20. Review status: criteria provided, single submitter. Criteria: GeneDx Variant Classification Process June 2021. Collection method: clinical testing. Allele origin: germline. Affected: yes.
Comment: Located within the helix initiation motif in the 1A domain, a region intolerant to change (Chamcheu et al., 2011); In silico analysis, which includes protein predictors and evolutionary conservation, supports a deleterious effect; In silico analysis, which includes splice predictors, suggests this variant may impact gene splicing. In the absence of RNA/functional studies, the actual effect of this sequence change is unknown.; Not observed at significant frequency in large population cohorts (gnomAD); This variant is associated with the following publications: (PMID: 22678789, 22584502, 7512862, 24862219, 22402445, 31074163, 22262370, 33914963, 19874353, 30666268)

Revvity Omics, Revvity
Classification: Pathogenic for Epidermolytic palmoplantar keratoderma, 1. Last evaluated: 2021-12-07. Review status: criteria provided, single submitter. Criteria: ACMG Guidelines, 2015. Collection method: clinical testing. Allele origin: germline.

Greenwood Genetic Center Diagnostic Laboratories, Greenwood Genetic Center
Classification: Pathogenic for Epidermolytic palmoplantar keratoderma, 1. Last evaluated: 2021-12-06. Review status: criteria provided, single submitter. Criteria: ACMG Guidelines, 2015. Collection method: clinical testing. Allele origin: germline. Affected: yes.
Comment: PS4, PP1, PP3, PM1, PM2, PM5, PM6

Laboratory of Medical Genetics, National & Kapodistrian University of Athens
Classification: Pathogenic for Epidermolytic palmoplantar keratoderma, 1. Last evaluated: 2021-08-10. Review status: criteria provided, single submitter. Criteria: ACMG Guidelines, 2015. Collection method: clinical testing. Allele origin: unknown. Affected: yes.
Comment: PM1, PM2, PP2, PP3, PP5

Ambry Genetics
Classification: Likely pathogenic for Inborn genetic diseases. Last evaluated: 2017-05-05. Review status: criteria provided, single submitter. Criteria: Ambry exome assertion method (8-5-2015). Collection method: clinical testing. Allele origin: germline. Affected: yes. Observed: 1 variant allele.

Clinical Genetics Service, Universitary Hospital 12 de Octubre
Classification: Pathogenic for Epidermolytic palmoplantar keratoderma, 1. Review status: criteria provided, single submitter. Criteria: ACMG Guidelines, 2015. Collection method: clinical testing. Allele origin: de novo. Affected: yes.

Juno Genomics, Hangzhou Juno Genomics, Inc
Classification: Pathogenic for Epidermolytic palmoplantar keratoderma, 1. Review status: criteria provided, single submitter. Criteria: ACMG Guidelines, 2015. Collection method: clinical testing. Allele origin: germline. Affected: yes.
Comment: Absent from controls (or at extremely low frequency if recessive) in Genome Aggregation Database.;Multiple lines of computational evidence support a deleterious effect on the gene or gene product.;Novel missense change at an amino acid residue where a different missense change determined to be pathogenic has been seen before.;The prevalence of the variant in affected individuals is significantly increased compared to the prevalence in controls.;Patient's phenotype or family history is highly specific for a disease with a single genetic etiology.

OMIM
Classification: Pathogenic for PALMOPLANTAR KERATODERMA, EPIDERMOLYTIC, 1. Last evaluated: 2003-07-30. Review status: no assertion criteria provided. Collection method: literature only. Allele origin: germline. Not counted in ClinVar's aggregate classification.

Epithelial Biology;  Institute of Medical Biology, Singapore
No classification provided. Review status: no classification provided. Collection method: not provided. Allele origin: not provided. Not counted in ClinVar's aggregate classification.

Literature cited by the submitters: PubMed 30666268 (cited by Labcorp Genetics (formerly Invitae), Labcorp); PubMed 33914963 (cited by Labcorp Genetics (formerly Invitae), Labcorp); PubMed 22262370 (cited by Labcorp Genetics (formerly Invitae), Labcorp); PubMed 24862219 (cited by Ambry Genetics); PubMed 12838553 (cited by OMIM); PubMed 7512862 (cited by OMIM); PubMed 8647270 (cited by OMIM); PubMed 9856842 (cited by OMIM).